The following is an entry in ClinVar:

ClinVar aggregate classification (germline): Uncertain significance (1 of 4 stars; one submission).

Allele frequency attached by ClinVar (database versions not stated): gnomAD exomes below 0.00001; TOPMed 0.00001.
gnomAD v4.1: 6 of 1,614,128 alleles (0.00037%); highest among the groups gnomAD compares: Non-Finnish European, 0.00051%; no homozygotes.

Submission:

Labcorp Genetics (formerly Invitae), Labcorp
Classification: Uncertain significance. Last evaluated: 2022-06-30. Review status: criteria provided, single submitter. Criteria: Invitae Variant Classification Sherloc (09022015). Collection method: clinical testing. Allele origin: germline.
Comment: In summary, the available evidence is currently insufficient to determine the role of this variant in disease. Therefore, it has been classified as a Variant of Uncertain Significance. Algorithms developed to predict the effect of missense changes on protein structure and function output the following: SIFT: "Tolerated"; PolyPhen-2: "Benign"; Align-GVGD: "Class C0". The glutamine amino acid residue is found in multiple mammalian species, which suggests that this missense change does not adversely affect protein function. This variant has not been reported in the literature in individuals affected with RNF213-related conditions. This variant is present in population databases (no rsID available, gnomAD 0.0009%). This sequence change replaces arginine, which is basic and polar, with glutamine, which is neutral and polar, at codon 731 of the RNF213 protein (p.Arg731Gln).

NM_001256071.3(RNF213):c.2192G>A (p.Arg731Gln)

Gene: RNF213 (ring finger protein 213; plus strand). Cytogenetic location: 17q25.3.
Variant type: single nucleotide variant.
Coding change: c.2192G>A on transcript NM_001256071.3 (MANE Select); coding-DNA position 2192, G replaced by A.
Protein change: p.Arg731Gln; replaces arginine 731 with glutamine.
Molecular consequence: missense variant.
Genome position (GRCh38, 1-based): chr17:80,298,500, G>A. VCF-style: chr17-80298500-G-A. GRCh37 (hg19) VCF-style: chr17-78272300-G-A.
Other names: c.2339G>A, p.Arg780Gln (NM_001410195.1, NM_020914.5); c.2192G>A, p.Arg731Gln (NM_020954.4); short protein forms R780Q, R731Q.
Identifiers: ClinVar variation 1907378 (VCV001907378.5), dbSNP rs945895886, ClinGen allele CA294904059.